The following is an entry in ClinVar:

NM_003801.4(GPAA1):c.1352T>C (p.Val451Ala)

Gene: GPAA1 (glycosylphosphatidylinositol anchor attachment 1; plus strand). Cytogenetic location: 8q24.3.
Variant type: single nucleotide variant.
Coding change: c.1352T>C on transcript NM_003801.4 (MANE Select); coding-DNA position 1352, T replaced by C.
Protein change: p.Val451Ala; replaces valine 451 with alanine.
Molecular consequence: missense variant.
Genome position (GRCh38, 1-based): chr8:144,085,380, T>C. VCF-style: chr8-144085380-T-C. GRCh37 (hg19) VCF-style: chr8-145140283-T-C.
Other names: short protein forms V451A.
Identifiers: ClinVar variation 2042323 (VCV002042323.4), dbSNP rs1249526969, ClinGen allele CA372504221.
Genomic context (GRCh38, chr8:144,085,380, plus strand): 5'-TGCTGATCTCACAGGCCATGGGACTGGCCCTCTATGTCCTGCCAGTGCTGGGCCAACACG[T>C]TGCCACCCAGCACTTCCCAGTGGCAGAGGCTGAGGCTGTGGTGCTGACACTGCTGGCGAT-3'
Protein context (NP_003792.1, residues 441-461): LYVLPVLGQH[Val451Ala]ATQHFPVAEA

ClinVar aggregate classification (germline): Uncertain significance (1 of 4 stars; one submission).

Allele frequency attached by ClinVar (database versions not stated): gnomAD exomes below 0.00001; gnomAD 0.00003; TOPMed 0.00003.
gnomAD v4.1: 10 of 1,608,498 alleles (0.00062%); highest among the groups gnomAD compares: African/African-American, 0.012%; no homozygotes.

Submission:

Labcorp Genetics (formerly Invitae), Labcorp
Classification: Uncertain significance. Last evaluated: 2022-08-13. Review status: criteria provided, single submitter. Criteria: Invitae Variant Classification Sherloc (09022015). Collection method: clinical testing. Allele origin: germline.
Comment: Algorithms developed to predict the effect of missense changes on protein structure and function are either unavailable or do not agree on the potential impact of this missense change (SIFT: "Deleterious"; PolyPhen-2: "Benign"; Align-GVGD: "Class C0"). In summary, the available evidence is currently insufficient to determine the role of this variant in disease. Therefore, it has been classified as a Variant of Uncertain Significance. This variant has not been reported in the literature in individuals affected with GPAA1-related conditions. This sequence change replaces valine, which is neutral and non-polar, with alanine, which is neutral and non-polar, at codon 451 of the GPAA1 protein (p.Val451Ala). This variant is present in population databases (no rsID available, gnomAD 0.01%).